The following is an entry in ClinVar:

ClinVar aggregate classification (germline): Uncertain significance (1 of 4 stars; one submission).

Submission:

GeneDx
Classification: Uncertain significance. Last evaluated: 2017-05-08. Review status: criteria provided, single submitter. Criteria: GeneDx Variant Classification (06012015). Collection method: clinical testing. Allele origin: germline. Affected: yes.
Comment: The G218V variant in the DSG2 gene has not been reported as a disease-causing mutation or as a benign polymorphism to our knowledge. Although G218V results in a conservative amino acid substitution of one non-polar residue for another, the G218 residue is conserved across species. In silico analysis predicts G218V is probably damaging to the protein structure/function. Mutations in nearby residues (P205L, E230G) have been reported in association with ARVC, further supporting the functional importance of this region of the protein. Furthermore, the G218V variant was not observed in approximately 6,000 individuals of European and African American ancestry in the NHLBI Exome Sequencing Project, indicating it is not a common benign variant in these populations. Mutations in nearby residues (P205L, E230G) have been reported in association with ARVC, further supporting the functional importance of this region of the protein. Therefore, based on the currently available information, it is unclear whether this variant is a pathogenic mutation or a rare benign variant. The variant is found in ARVC panel(s).

NM_001943.5(DSG2):c.653G>T (p.Gly218Val)

Gene: DSG2 (desmoglein 2; plus strand). Cytogenetic location: 18q12.1.
Variant type: single nucleotide variant.
Coding change: c.653G>T on transcript NM_001943.5 (MANE Select); coding-DNA position 653, G replaced by T.
Protein change: p.Gly218Val; replaces glycine 218 with valine.
Molecular consequence: missense variant.
Genome position (GRCh38, 1-based): chr18:31,522,212, G>T. VCF-style: chr18-31522212-G-T. GRCh37 (hg19) VCF-style: chr18-29102175-G-T.
Other names: p.G218V:GGA>GTA; c.653G>T (LRG_397t1); short protein forms G218V.
Identifiers: ClinVar variation 199799 (VCV000199799.2), dbSNP rs794728082, ClinGen allele CA022221.